The following is an entry in ClinVar:

ClinVar aggregate classification (germline): Pathogenic (1 of 4 stars; one submission).

Conditions:
Amelocerebrohypohidrotic syndrome (KTZS). Also called: EPILEPSY AND YELLOW TEETH; EPILEPSY, DEMENTIA, AND AMELOGENESIS IMPERFECTA; KOHLSCHUTTER SYNDROME; Kohlschutter's syndrome. Identifiers: Orphanet 1946, MedGen C0406740, MONDO:0009185, OMIM 226750.

Submission:

Labcorp Genetics (formerly Invitae), Labcorp
Classification: Pathogenic for Amelocerebrohypohidrotic syndrome. Last evaluated: 2025-10-27. Review status: criteria provided, single submitter. Criteria: Invitae Variant Classification Sherloc (09022015). Collection method: clinical testing. Allele origin: germline.
Comment: This sequence change creates a premature translational stop signal (p.Lys57*) in the ROGDI gene. It is expected to result in an absent or disrupted protein product. Loss-of-function variants in ROGDI are known to be pathogenic (PMID: 22424600, 23086778). This variant is not present in population databases (gnomAD no frequency). This variant has not been reported in the literature in individuals affected with ROGDI-related conditions. ClinVar contains an entry for this variant (Variation ID: 2024107). For these reasons, this variant has been classified as Pathogenic.

Literature cited by the submitters: PubMed 22424600; PubMed 23086778.

NM_024589.3(ROGDI):c.169A>T (p.Lys57Ter)

Gene: ROGDI (rogdi atypical leucine zipper; minus strand). Cytogenetic location: 16p13.3.
Variant type: single nucleotide variant.
Coding change: c.169A>T on transcript NM_024589.3 (MANE Select); coding-DNA position 169, A replaced by T.
Protein change: p.Lys57Ter; replaces lysine 57 with a stop codon.
Molecular consequence: nonsense. On other transcripts: non-coding transcript variant (1).
Genome position (GRCh38, 1-based): chr16:4,801,534, T>A on the plus strand (A>T on the coding strand, the complement: ROGDI is on the minus strand). VCF-style: chr16-4801534-T-A. GRCh37 (hg19) VCF-style: chr16-4851535-T-A.
Other names: short protein forms K57*.
Identifiers: ClinVar variation 2024107 (VCV002024107.4), dbSNP rs2082718424, ClinGen allele CA394655283.